The following is an entry in ClinVar:

ClinVar aggregate classification (germline): Likely benign (0 of 4 stars; one submission).

Conditions:
TEX11-related disorder. Also called: TEX11-related condition.

Submission:

PreventionGenetics, part of Exact Sciences
Classification: Likely benign for TEX11-related condition. Last evaluated: 2019-06-24. Review status: no assertion criteria provided. Collection method: clinical testing. Allele origin: germline.
Comment: This variant is classified as likely benign based on ACMG/AMP sequence variant interpretation guidelines (Richards et al. 2015 PMID: 25741868, with internal and published modifications).

NM_031276.3(TEX11):c.1157-4dup

Gene: TEX11 (testis expressed 11; minus strand). Cytogenetic location: Xq13.1.
Variant type: Duplication.
Coding change: c.1157-4dup on transcript NM_031276.3 (MANE Select); 4 bases into the intron before coding-DNA position 1157, one base duplicated (T; older notation c.1157-4dupT).
Molecular consequence: intron variant.
Genome position (GRCh38, 1-based): chrX:70,678,893, A duplicated on the plus strand (T on the coding strand, the reverse complement: TEX11 is on the minus strand); the first of 13 consecutive A bases (chrX:70,678,893-70,678,905); duplicating any one gives the same sequence. VCF-style (leftmost placement, unchanged base first): chrX-70678892-G-GA. GRCh37 (hg19) VCF-style: chrX-69898742-G-GA.
Other names: c.1202-4dup (NM_001003811.2).
Identifiers: ClinVar variation 3042193 (VCV003042193.2), dbSNP rs55853716, ClinGen allele CA10442728.